The following is an entry in ClinVar:

NM_001378615.1(CC2D2A):c.2625G>A (p.Ser875=)

Genes: CC2D2A (coiled-coil and C2 domain containing 2A; plus strand), FBXL5 (F-box and leucine rich repeat protein 5; minus strand). Cytogenetic location: 4p15.32.
Variant type: single nucleotide variant.
Coding change: c.2625G>A on transcript NM_001378615.1 (MANE Select); coding-DNA position 2625, G replaced by A.
Protein change: p.Ser875=; no amino-acid change (serine 875 retained).
Molecular consequence: synonymous variant.
Genome position (GRCh38, 1-based): chr4:15,555,210, G>A. VCF-style: chr4-15555210-G-A. GRCh37 (hg19) VCF-style: chr4-15556833-G-A.
Other names: c.2625G>A, p.Ser875= (NM_001080522.2); c.2478G>A, p.Ser826= (NM_001378617.1).
Identifiers: ClinVar variation 853232 (VCV000853232.12), dbSNP rs765873247, ClinGen allele CA2863968.
Genomic context (GRCh38, chr4:15,555,210, plus strand): 5'-AGCAGAGTCCAAGCTCGACCCAAATGACCCCAACAATGCCCCTTTGATGCAGCTTATCTC[G>A]GTATGTAGCAGGAGGCACACATGCCATTTCTTGACTTGGCCTTTTACACAATTTTCCTTT-3'
Protein context (NP_001365544.1, residues 865-885): PNNAPLMQLI[Ser875=]VATSGESYVP

ClinVar aggregate classification (germline): Conflicting classifications of pathogenicity. Review status: criteria provided, conflicting classifications (1 of 4 stars). 3 submissions from 3 submitters: Likely pathogenic (1); Uncertain significance (2). Last evaluated 2026-03-15.

Conditions:
Meckel-Gruber syndrome. Also called: Dysencephalia splachnocystica; DYSENCEPHALIA SPLANCHNOCYSTICA; GRUBER SYNDROME. Identifiers: Orphanet 564, MedGen C0265215, MONDO:0018921.
Joubert syndrome. Also called: JOUBERT-BOLTSHAUSER SYNDROME; Familial aplasia of the vermis. Identifiers: Orphanet 475, MedGen C5979921, MONDO:0018772.
CC2D2A-related disorder. Also called: CC2D2A-related condition; CC2D2A-related disorders. Identifiers: MedGen CN239313.

Allele frequency attached by ClinVar (database versions not stated): ExAC 0.00001; gnomAD exomes 0.00001 and 0.00002; TOPMed 0.00003.
gnomAD v4.1: 22 of 1,611,714 alleles (0.0014%); highest among the groups gnomAD compares: African/African-American, 0.0027%; no homozygotes.

Submissions (3):

PreventionGenetics, part of Exact Sciences
Classification: Uncertain significance for CC2D2A-related condition. Last evaluated: 2026-03-15. Review status: criteria provided, single submitter. Criteria: ACMG Guidelines, 2015. Collection method: clinical testing. Allele origin: germline.
Comment: The CC2D2A c.2625G>A variant is not predicted to result in an amino acid change (p.=). This variant is predicted to alter splicing based on available splicing prediction programs (SpliceAI, Jaganathan et al. 2019. PubMed ID: 30661751). However, the use of computer prediction programs is not equivalent to functional evidence. To our knowledge, this variant has not been reported in the literature. This variant is reported in 0.0065% of alleles in individuals of African descent in gnomAD. At this time, the clinical significance of this variant is uncertain due to the absence of conclusive functional and genetic evidence.

Labcorp Genetics (formerly Invitae), Labcorp
Classification: Likely pathogenic for Joubert syndrome; Meckel-Gruber syndrome. Last evaluated: 2025-10-13. Review status: criteria provided, single submitter. Criteria: Invitae Variant Classification Sherloc (09022015). Collection method: clinical testing. Allele origin: germline.
Comment: This sequence change affects codon 875 of the CC2D2A mRNA. It is a 'silent' change, meaning that it does not change the encoded amino acid sequence of the CC2D2A protein. This variant also falls at the last nucleotide of exon 21, which is part of the consensus splice site for this exon. This variant is present in population databases (rs765873247, gnomAD 0.007%). This variant has been observed in individual(s) with Joubert syndrome (internal data). In at least one individual the data is consistent with being in trans (on the opposite chromosome) from a pathogenic variant. ClinVar contains an entry for this variant (Variation ID: 853232). Variants that disrupt the consensus splice site are a relatively common cause of aberrant splicing (PMID: 17576681, 9536098). Algorithms developed to predict the effect of sequence changes on RNA splicing suggest that this variant may disrupt the consensus splice site. In summary, the currently available evidence indicates that the variant is pathogenic, but additional data are needed to prove that conclusively. Therefore, this variant has been classified as Likely Pathogenic.

Blueprint Genetics
Classification: Uncertain significance. Last evaluated: 2023-09-19. Review status: criteria provided, single submitter. Criteria: ACMG Guidelines, 2015. Collection method: clinical testing. Allele origin: germline.

Literature cited by the submitters: PubMed 17576681 (cited by Labcorp Genetics (formerly Invitae), Labcorp); PubMed 9536098 (cited by Labcorp Genetics (formerly Invitae), Labcorp).